The following is an entry in ClinVar:

NM_003816.3(ADAM9):c.1966T>A (p.Cys656Ser)

Gene: ADAM9 (ADAM metallopeptidase domain 9; plus strand). Cytogenetic location: 8p11.22.
Variant type: single nucleotide variant.
Coding change: c.1966T>A on transcript NM_003816.3 (MANE Select); coding-DNA position 1966, T replaced by A.
Protein change: p.Cys656Ser; replaces cysteine 656 with serine.
Molecular consequence: missense variant. On other transcripts: non-coding transcript variant (1).
Genome position (GRCh38, 1-based): chr8:39,082,971, T>A. VCF-style: chr8-39082971-T-A. GRCh37 (hg19) VCF-style: chr8-38940490-T-A.
Other names: short protein forms C656S.
Identifiers: ClinVar variation 2128226 (VCV002128226.4), dbSNP rs2536378694, ClinGen allele CA370747659.

ClinVar aggregate classification (germline): Uncertain significance (1 of 4 stars; one submission).

Submission:

Labcorp Genetics (formerly Invitae), Labcorp
Classification: Uncertain significance. Last evaluated: 2022-04-20. Review status: criteria provided, single submitter. Criteria: Invitae Variant Classification Sherloc (09022015). Collection method: clinical testing. Allele origin: germline.
Comment: In summary, the available evidence is currently insufficient to determine the role of this variant in disease. Therefore, it has been classified as a Variant of Uncertain Significance. Algorithms developed to predict the effect of sequence changes on RNA splicing suggest that this variant may disrupt the consensus splice site. Algorithms developed to predict the effect of missense changes on protein structure and function (SIFT, PolyPhen-2, Align-GVGD) all suggest that this variant is likely to be disruptive. This variant has not been reported in the literature in individuals affected with ADAM9-related conditions. This variant is not present in population databases (gnomAD no frequency). This sequence change replaces cysteine, which is neutral and slightly polar, with serine, which is neutral and polar, at codon 656 of the ADAM9 protein (p.Cys656Ser).